The following is an entry in ClinVar:

NM_001369268.1(ACAN):c.4918A>G (p.Ser1640Gly)

Gene: ACAN (aggrecan; plus strand). Cytogenetic location: 15q26.1.
Variant type: single nucleotide variant.
Coding change: c.4918A>G on transcript NM_001369268.1 (MANE Select); coding-DNA position 4918, A replaced by G.
Protein change: p.Ser1640Gly; replaces serine 1640 with glycine.
Molecular consequence: missense variant.
Genome position (GRCh38, 1-based): chr15:88,857,503, A>G. VCF-style: chr15-88857503-A-G. GRCh37 (hg19) VCF-style: chr15-89400734-A-G.
Other names: c.4918A>G, p.Ser1640Gly (NM_001135.4, NM_001411096.1, NM_001411097.1 and 1 more transcripts); short protein forms S1640G.
Identifiers: ClinVar variation 1804239 (VCV001804239.1), dbSNP rs2505321875, ClinGen allele CA393723424.
Genomic context (GRCh38, chr15:88,857,503, plus strand): 5'-CCAGAAACAAGTGGTCTTCCCTCTGGATTTAGTGGTGAGTATTCTGGGGTGGACCTTGGA[A>G]GTGGCCCACCCTCTGGCCTGCCTGACTTTAGTGGACTTCCATCTGGATTCCCAACTGTTT-3'
Protein context (NP_001356197.1, residues 1630-1650): SGEYSGVDLG[Ser1640Gly]GPPSGLPDFS

ClinVar aggregate classification (germline): Uncertain significance (1 of 4 stars; one submission).

Allele frequency attached by ClinVar (database versions not stated): gnomAD exomes below 0.00001.
gnomAD v4.1: 4 of 1,613,902 alleles (0.00025%); highest among the groups gnomAD compares: Non-Finnish European, 0.00034%; no homozygotes.

Submission:

GeneDx
Classification: Uncertain significance. Last evaluated: 2022-06-16. Review status: criteria provided, single submitter. Criteria: GeneDx Variant Classification Process June 2021. Collection method: clinical testing. Allele origin: germline. Affected: yes.
Comment: Not observed at significant frequency in large population cohorts (gnomAD); In silico analysis supports that this missense variant has a deleterious effect on protein structure/function; Has not been previously published as pathogenic or benign to our knowledge